The following is an entry in ClinVar:

NM_005751.5(AKAP9):c.1754T>A (p.Leu585Gln)

Gene: AKAP9 (A-kinase anchoring protein 9; plus strand). Cytogenetic location: 7q21.2.
Variant type: single nucleotide variant.
Coding change: c.1754T>A on transcript NM_005751.5 (MANE Select); coding-DNA position 1754, T replaced by A.
Protein change: p.Leu585Gln; replaces leucine 585 with glutamine.
Molecular consequence: missense variant.
Genome position (GRCh38, 1-based): chr7:92,001,671, T>A. VCF-style: chr7-92001671-T-A. GRCh37 (hg19) VCF-style: chr7-91630985-T-A.
Other names: c.1754T>A, p.Leu585Gln (NM_147185.3); short protein forms L585Q.
Identifiers: ClinVar variation 965190 (VCV000965190.10), dbSNP rs757679497, ClinGen allele CA4336054.

ClinVar aggregate classification (germline): Uncertain significance. Review status: criteria provided, multiple submitters, no conflicts (2 of 4 stars). 2 submissions from 2 submitters: Uncertain significance (2). Last evaluated 2024-12-21.

Conditions:
Cardiovascular phenotype. Identifiers: MedGen CN230736.
Long QT syndrome (LQTS). Identifiers: MedGen C0023976, MeSH D008133, MONDO:0002442. Disease mechanism: loss of function. Inheritance: Various modes of inheritance.

Allele frequency attached by ClinVar (database versions not stated): gnomAD exomes below 0.00001; ExAC 0.00001.
gnomAD v4.1: 2 of 1,612,726 alleles (0.00012%); highest among the groups gnomAD compares: East Asian, 0.0045%; no homozygotes.

Submissions (2):

Ambry Genetics
Classification: Uncertain significance for Cardiovascular phenotype. Last evaluated: 2024-12-21. Review status: criteria provided, single submitter. Criteria: Ambry Variant Classification Scheme 2023. Collection method: clinical testing. Allele origin: germline.
Comment: The p.L585Q variant (also known as c.1754T>A), located in coding exon 8 of the AKAP9 gene, results from a T to A substitution at nucleotide position 1754. The leucine at codon 585 is replaced by glutamine, an amino acid with dissimilar properties. This amino acid position is conserved. In addition, the in silico prediction for this alteration is inconclusive. Based on the available evidence, the clinical significance of this variant remains unclear.

Labcorp Genetics (formerly Invitae), Labcorp
Classification: Uncertain significance for Long QT syndrome. Last evaluated: 2021-08-19. Review status: criteria provided, single submitter. Criteria: Invitae Variant Classification Sherloc (09022015). Collection method: clinical testing. Allele origin: germline.
Comment: Algorithms developed to predict the effect of missense changes on protein structure and function are either unavailable or do not agree on the potential impact of this missense change (SIFT: "Deleterious"; PolyPhen-2: "Probably Damaging"; Align-GVGD: "Class C0"). In summary, the available evidence is currently insufficient to determine the role of this variant in disease. Therefore, it has been classified as a Variant of Uncertain Significance. This variant has not been reported in the literature in individuals with AKAP9-related conditions. This sequence change replaces leucine with glutamine at codon 585 of the AKAP9 protein (p.Leu585Gln). The leucine residue is moderately conserved and there is a moderate physicochemical difference between leucine and glutamine. This variant is present in population databases (rs757679497, ExAC 0.01%).